The following is an entry in ClinVar:

NM_004722.4(AP4M1):c.1322G>A (p.Arg441Gln)

Gene: AP4M1 (adaptor related protein complex 4 subunit mu 1; plus strand). Cytogenetic location: 7q22.1.
Variant type: single nucleotide variant.
Coding change: c.1322G>A on transcript NM_004722.4 (MANE Select); coding-DNA position 1322, G replaced by A.
Protein change: p.Arg441Gln; replaces arginine 441 with glutamine.
Molecular consequence: missense variant.
Genome position (GRCh38, 1-based): chr7:100,106,842, G>A. VCF-style: chr7-100106842-G-A. GRCh37 (hg19) VCF-style: chr7-99704465-G-A.
Other names: c.1343G>A, p.Arg448Gln (NM_001363671.2); short protein forms R441Q, R448Q.
Identifiers: ClinVar variation 2142760 (VCV002142760.3), dbSNP rs747467603, ClinGen allele CA4375067.

ClinVar aggregate classification (germline): Uncertain significance (1 of 4 stars; one submission).

Conditions:
Hereditary spastic paraplegia 50 (SPG50). Also called: Spastic paraplegia 50, autosomal recessive. Identifiers: Orphanet 280763, MedGen C2752008, MONDO:0013048, OMIM 612936.

Allele frequency attached by ClinVar (database versions not stated): TOPMed 0.00002; ExAC 0.00003.
gnomAD v4.1: 25 of 1,613,878 alleles (0.0015%); highest among the groups gnomAD compares: East Asian, 0.0022%; no homozygotes.

Submission:

Labcorp Genetics (formerly Invitae), Labcorp
Classification: Uncertain significance for Hereditary spastic paraplegia 50. Last evaluated: 2024-10-08. Review status: criteria provided, single submitter. Criteria: Invitae Variant Classification Sherloc (09022015). Collection method: clinical testing. Allele origin: germline.
Comment: This sequence change replaces arginine, which is basic and polar, with glutamine, which is neutral and polar, at codon 441 of the AP4M1 protein (p.Arg441Gln). This variant is present in population databases (rs747467603, gnomAD 0.006%). This variant has not been reported in the literature in individuals affected with AP4M1-related conditions. ClinVar contains an entry for this variant (Variation ID: 2142760). Invitae Evidence Modeling of protein sequence and biophysical properties (such as structural, functional, and spatial information, amino acid conservation, physicochemical variation, residue mobility, and thermodynamic stability) has been performed for this missense variant. However, the output from this modeling did not meet the statistical confidence thresholds required to predict the impact of this variant on AP4M1 protein function. In summary, the available evidence is currently insufficient to determine the role of this variant in disease. Therefore, it has been classified as a Variant of Uncertain Significance.